The following is an entry in ClinVar:

ClinVar aggregate classification (germline): Uncertain significance. Review status: criteria provided, multiple submitters, no conflicts (2 of 4 stars). 3 submissions from 3 submitters: Uncertain significance (3). Last evaluated 2021-09-05.

Conditions:
LAMA2-related muscular dystrophy (LAMA2-RD). Also called: Laminin alpha 2-related dystrophy. Identifiers: MedGen C5679788, MONDO:0100228.

Allele frequency attached by ClinVar (database versions not stated): TOPMed 0.00003; gnomAD 0.00006.
gnomAD v4.1: 28 of 1,613,570 alleles (0.0017%); highest among the groups gnomAD compares: Middle Eastern, 0.016%; no homozygotes.

Submissions (3):

Labcorp Genetics (formerly Invitae), Labcorp
Classification: Uncertain significance for LAMA2-related muscular dystrophy. Last evaluated: 2021-09-05. Review status: criteria provided, single submitter. Criteria: Invitae Variant Classification Sherloc (09022015). Collection method: clinical testing. Allele origin: germline.
Comment: This sequence change replaces aspartic acid with asparagine at codon 516 of the LAMA2 protein (p.Asp516Asn). The aspartic acid residue is weakly conserved and there is a small physicochemical difference between aspartic acid and asparagine. This variant is not present in population databases (ExAC no frequency). This variant has not been reported in the literature in individuals affected with LAMA2-related conditions. ClinVar contains an entry for this variant (Variation ID: 286101). Algorithms developed to predict the effect of missense changes on protein structure and function (SIFT, PolyPhen-2, Align-GVGD) all suggest that this variant is likely to be tolerated. In summary, the available evidence is currently insufficient to determine the role of this variant in disease. Therefore, it has been classified as a Variant of Uncertain Significance.

Revvity Omics, Revvity
Classification: Uncertain significance. Last evaluated: 2019-07-10. Review status: criteria provided, single submitter. Criteria: ACMG Guidelines, 2015. Collection method: clinical testing. Allele origin: germline.

Eurofins Ntd Llc (ga)
Classification: Uncertain significance. Last evaluated: 2016-02-18. Review status: criteria provided, single submitter. Criteria: EGL Classification Definitions 2015. Collection method: clinical testing. Allele origin: germline. Observed: 1 variant allele, 1 heterozygote.

NM_000426.4(LAMA2):c.1546G>A (p.Asp516Asn)

Gene: LAMA2 (laminin subunit alpha 2; plus strand). Cytogenetic location: 6q22.33.
Variant type: single nucleotide variant.
Coding change: c.1546G>A on transcript NM_000426.4 (MANE Select); coding-DNA position 1546, G replaced by A.
Protein change: p.Asp516Asn; replaces aspartic acid 516 with asparagine.
Molecular consequence: missense variant.
Genome position (GRCh38, 1-based): chr6:129,190,283, G>A. VCF-style: chr6-129190283-G-A. GRCh37 (hg19) VCF-style: chr6-129511428-G-A.
Other names: c.1546G>A, p.Asp516Asn (NM_001079823.2); short protein forms D516N.
Identifiers: ClinVar variation 286101 (VCV000286101.10), dbSNP rs141000358, ClinGen allele CA10605360.